The following is an entry in ClinVar:

NM_001377.3(DYNC2H1):c.9354-71A>G

Gene: DYNC2H1 (dynein cytoplasmic 2 heavy chain 1; plus strand). Cytogenetic location: 11q22.3.
Variant type: single nucleotide variant.
Coding change: c.9354-71A>G on transcript NM_001377.3 (MANE Select); 71 bases into the intron before coding-DNA position 9354, A replaced by G.
Molecular consequence: intron variant.
Genome position (GRCh38, 1-based): chr11:103,231,189, A>G. VCF-style: chr11-103231189-A-G. GRCh37 (hg19) VCF-style: chr11-103101918-A-G.
Other names: c.9354-71A>G (NM_001080463.2).
Identifiers: ClinVar variation 675076 (VCV000675076.2), dbSNP rs61896694, ClinGen allele CA13562887.

ClinVar aggregate classification (germline): Benign. Review status: criteria provided, multiple submitters, no conflicts (2 of 4 stars). 2 submissions from 2 submitters: Benign (2). Last evaluated 2018-06-14.

Allele frequency attached by ClinVar (database versions not stated): TOPMed 0.07525; 1000 Genomes Project 0.07788; 1000 Genomes Project 30x 0.07901; gnomAD 0.08701 and 0.08847; gnomAD exomes 0.11177.
gnomAD v4.1: 88,897 of 830,168 alleles (11%); highest among the groups gnomAD compares: East Asian, 12%; 5,650 homozygotes.

Submissions (2):

GeneDx
Classification: Benign. Last evaluated: 2018-06-14. Review status: criteria provided, single submitter. Criteria: GeneDx Variant Classification (06012015). Collection method: clinical testing. Allele origin: germline. Affected: yes.
Comment: This variant is considered likely benign or benign based on one or more of the following criteria: it is a conservative change, it occurs at a poorly conserved position in the protein, it is predicted to be benign by multiple in silico algorithms, and/or has population frequency not consistent with disease.

Breakthrough Genomics
Classification: Benign. Review status: criteria provided, single submitter. Criteria: ACMG Guidelines, 2015. Collection method: not provided. Allele origin: germline. Inheritance: Autosomal recessive inheritance. Affected: yes.